The following is an entry in ClinVar:

ClinVar aggregate classification (germline): Uncertain significance. Review status: criteria provided, multiple submitters, no conflicts (2 of 4 stars). 3 submissions from 3 submitters: Uncertain significance (3). Last evaluated 2025-07-31.

Conditions:
Hereditary cancer-predisposing syndrome. Also called: Tumor predisposition; Neoplastic Syndromes, Hereditary; Hereditary neoplastic syndrome; Hereditary Cancer Syndrome. Identifiers: Orphanet 140162, MedGen C0027672, MeSH D009386, MONDO:0015356.
Cardiovascular phenotype. Identifiers: MedGen CN230736.
Neurofibromatosis, type 1 (NF1). Also called: Peripheral type neurofibromatosis; Neurofibromatosis, type I; VON RECKLINGHAUSEN DISEASE; NEUROFIBROMATOSIS, TYPE I, SOMATIC. Identifiers: Orphanet 636, MedGen C0027831, MONDO:0018975, OMIM 162200. Disease mechanism: loss of function.

gnomAD v4.1: 3 of 1,613,444 alleles (0.00019%); highest among the groups gnomAD compares: Non-Finnish European, 0.00025%; no homozygotes.

Submissions (3):

Ambry Genetics
Classification: Uncertain significance for Cardiovascular phenotype; Hereditary cancer-predisposing syndrome. Last evaluated: 2025-07-31. Review status: criteria provided, single submitter. Criteria: Ambry Variant Classification Scheme 2023. Collection method: clinical testing. Allele origin: germline.
Comment: The p.S1030L variant (also known as c.3089C>T), located in coding exon 23 of the NF1 gene, results from a C to T substitution at nucleotide position 3089. The serine at codon 1030 is replaced by leucine, an amino acid with dissimilar properties. This amino acid position is highly conserved in available vertebrate species. In addition, the in silico prediction for this alteration is inconclusive. Based on the available evidence, the clinical significance of this variant remains unclear.

Labcorp Genetics (formerly Invitae), Labcorp
Classification: Uncertain significance for Neurofibromatosis, type 1. Last evaluated: 2025-05-28. Review status: criteria provided, single submitter. Criteria: Invitae Variant Classification Sherloc (09022015). Collection method: clinical testing. Allele origin: germline.
Comment: This sequence change replaces serine, which is neutral and polar, with leucine, which is neutral and non-polar, at codon 1030 of the NF1 protein (p.Ser1030Leu). This variant is not present in population databases (gnomAD no frequency). This variant has not been reported in the literature in individuals affected with NF1-related conditions. ClinVar contains an entry for this variant (Variation ID: 1806697). Invitae Evidence Modeling of protein sequence and biophysical properties (such as structural, functional, and spatial information, amino acid conservation, physicochemical variation, residue mobility, and thermodynamic stability) indicates that this missense variant is expected to disrupt NF1 protein function with a positive predictive value of 95%. In summary, the available evidence is currently insufficient to determine the role of this variant in disease. Therefore, it has been classified as a Variant of Uncertain Significance.

GeneDx
Classification: Uncertain significance. Last evaluated: 2022-06-21. Review status: criteria provided, single submitter. Criteria: GeneDx Variant Classification Process June 2021. Collection method: clinical testing. Allele origin: germline. Affected: yes.
Comment: Not observed at significant frequency in large population cohorts (gnomAD); In silico analysis supports that this missense variant has a deleterious effect on protein structure/function; Has not been previously published as pathogenic or benign to our knowledge; This variant is associated with the following publications: (PMID: 25486365, 2121369)

NM_001042492.3(NF1):c.3089C>T (p.Ser1030Leu)

Gene: NF1 (neurofibromin 1; plus strand). Cytogenetic location: 17q11.2.
Variant type: single nucleotide variant.
Coding change: c.3089C>T on transcript NM_001042492.3 (MANE Select); coding-DNA position 3089, C replaced by T.
Protein change: p.Ser1030Leu; replaces serine 1030 with leucine.
Molecular consequence: missense variant.
Genome position (GRCh38, 1-based): chr17:31,230,358, C>T. VCF-style: chr17-31230358-C-T. GRCh37 (hg19) VCF-style: chr17-29557376-C-T.
Other names: c.3089C>T, p.Ser1030Leu (NM_000267.4); short protein forms S1030L.
Identifiers: ClinVar variation 1806697 (VCV001806697.5), dbSNP rs1567849864, ClinGen allele CA398987579.